The following is an entry in ClinVar:

ClinVar aggregate classification (germline): Uncertain significance (1 of 4 stars; one submission).

Conditions:
Emery-Dreifuss muscular dystrophy 4, autosomal dominant (EDMD4). Also called: EMERY-DREIFUSS MUSCULAR DYSTROPHY 4 WITH VARIABLE FEATURES. Identifiers: Orphanet 261, MedGen C2751807, MONDO:0013071, OMIM 612998.
Autosomal recessive ataxia, Beauce type. Also called: Spinocerebellar ataxia, autosomal recessive 8; ATAXIA, RECESSIVE, OF BEAUCE; SYNE1 Deficiency; SYNE1-Related Autosomal Recessive Cerebellar Ataxia. Identifiers: Orphanet 88644, MedGen C1853116, MONDO:0012549, OMIM 610743.

Allele frequency attached by ClinVar (database versions not stated): gnomAD exomes below 0.00001; TOPMed below 0.00001; gnomAD 0.00001.
gnomAD v4.1: 2 of 1,612,902 alleles (0.00012%); highest among the groups gnomAD compares: Non-Finnish European, 0.00017%; no homozygotes.

Submission:

Labcorp Genetics (formerly Invitae), Labcorp
Classification: Uncertain significance for Emery-Dreifuss muscular dystrophy 4, autosomal dominant; Autosomal recessive ataxia, Beauce type. Last evaluated: 2022-01-14. Review status: criteria provided, single submitter. Criteria: Invitae Variant Classification Sherloc (09022015). Collection method: clinical testing. Allele origin: germline.
Comment: In summary, the available evidence is currently insufficient to determine the role of this variant in disease. Therefore, it has been classified as a Variant of Uncertain Significance. Algorithms developed to predict the effect of missense changes on protein structure and function output the following: SIFT: "Deleterious"; PolyPhen-2: "Benign"; Align-GVGD: "Class C55". The alanine amino acid residue is found in multiple mammalian species, which suggests that this missense change does not adversely affect protein function. ClinVar contains an entry for this variant (Variation ID: 1055184). This variant has not been reported in the literature in individuals affected with SYNE1-related conditions. This variant is not present in population databases (gnomAD no frequency). This sequence change replaces threonine, which is neutral and polar, with alanine, which is neutral and non-polar, at codon 6427 of the SYNE1 protein (p.Thr6427Ala).

NM_182961.4(SYNE1):c.19492A>G (p.Thr6498Ala)

Gene: SYNE1 (spectrin repeat containing nuclear envelope protein 1; minus strand). Cytogenetic location: 6q25.2.
Variant type: single nucleotide variant.
Coding change: c.19492A>G on transcript NM_182961.4 (MANE Select); coding-DNA position 19492, A replaced by G.
Protein change: p.Thr6498Ala; replaces threonine 6498 with alanine.
Molecular consequence: missense variant.
Genome position (GRCh38, 1-based): chr6:152,249,241, T>C on the plus strand (A>G on the coding strand, the complement: SYNE1 is on the minus strand). VCF-style: chr6-152249241-T-C. GRCh37 (hg19) VCF-style: chr6-152570376-T-C.
Other names: c.19279A>G, p.Thr6427Ala (NM_033071.5); short protein forms T6427A, T6498A.
Identifiers: ClinVar variation 1055184 (VCV001055184.9), dbSNP rs2088379630, ClinGen allele CA366132575.